The following is an entry in ClinVar:

NM_177438.3(DICER1):c.5679T>A (p.Val1893=)

Gene: DICER1 (dicer 1, ribonuclease III; minus strand). Cytogenetic location: 14q32.13.
Variant type: single nucleotide variant.
Coding change: c.5679T>A on transcript NM_177438.3 (MANE Select); coding-DNA position 5679, T replaced by A.
Protein change: p.Val1893=; no amino-acid change (valine 1893 retained).
Molecular consequence: synonymous variant. On other transcripts: 3 prime UTR variant (1), non-coding transcript variant (6).
Genome position (GRCh38, 1-based): chr14:95,090,588, A>T on the plus strand (T>A on the coding strand, the complement: DICER1 is on the minus strand). VCF-style: chr14-95090588-A-T. GRCh37 (hg19) VCF-style: chr14-95556925-A-T.
Other names: c.*26T>A (NM_001195573.1); c.5679T>A, p.Val1893= (NM_001271282.3, NM_001291628.2, NM_001395677.1 and 8 more transcripts); c.5397T>A, p.Val1799= (NM_001395686.1); c.5274T>A, p.Val1758= (NM_001395687.1, NM_001395688.1, NM_001395689.1 and 1 more transcripts); c.5112T>A, p.Val1704= (NM_001395691.1); c.3996T>A, p.Val1332= (NM_001395697.1).
Identifiers: ClinVar variation 2112908 (VCV002112908.4), dbSNP rs2542390954, ClinGen allele CA487625487.

ClinVar aggregate classification (germline): Uncertain significance (1 of 4 stars; one submission).

Conditions:
DICER1-related tumor predisposition. Also called: DICER1 syndrome; DICER1-related pleuropulmonary blastoma cancer predisposition syndrome. Identifiers: Orphanet 284343, MedGen C3839822, MONDO:0100216.

Submission:

Labcorp Genetics (formerly Invitae), Labcorp
Classification: Uncertain significance for DICER1-related tumor predisposition. Last evaluated: 2022-03-23. Review status: criteria provided, single submitter. Criteria: Invitae Variant Classification Sherloc (09022015). Collection method: clinical testing. Allele origin: germline.
Comment: This variant is not present in population databases (gnomAD no frequency). This sequence change affects codon 1893 of the DICER1 mRNA. It is a 'silent' change, meaning that it does not change the encoded amino acid sequence of the DICER1 protein. This variant has not been reported in the literature in individuals affected with DICER1-related conditions. Algorithms developed to predict the effect of sequence changes on RNA splicing suggest that this variant may disrupt the consensus splice site. In summary, the available evidence is currently insufficient to determine the role of this variant in disease. Therefore, it has been classified as a Variant of Uncertain Significance.